The following is an entry in ClinVar:

ClinVar aggregate classification (germline): Conflicting classifications of pathogenicity. Review status: criteria provided, conflicting classifications (1 of 4 stars). 2 submissions from 2 submitters: Uncertain significance (1); Benign (1). Last evaluated 2024-11-28.

Conditions:
Inborn genetic diseases. Identifiers: MedGen C0950123, MeSH D030342.
Primary pulmonary hypertension. Also called: Idiopathic pulmonary hypertension. Identifiers: MedGen C0152171.

Allele frequency attached by ClinVar (database versions not stated): TOPMed below 0.00001; gnomAD 0.00005; gnomAD exomes 0.00018 and 0.00038; ExAC 0.00044.

Submissions (2):

Ambry Genetics
Classification: Uncertain significance for Inborn genetic diseases. Last evaluated: 2024-11-28. Review status: criteria provided, single submitter. Criteria: Ambry Variant Classification Scheme 2023. Collection method: clinical testing. Allele origin: germline.
Comment: The p.M572I variant (also known as c.1716G>A), located in coding exon 12 of the BMPR2 gene, results from a G to A substitution at nucleotide position 1716. The methionine at codon 572 is replaced by isoleucine, an amino acid with highly similar properties. This amino acid position is conserved. In addition, this alteration is predicted to be tolerated by in silico analysis. Based on the available evidence, the clinical significance of this variant remains unclear.

Labcorp Genetics (formerly Invitae), Labcorp
Classification: Benign for Primary pulmonary hypertension. Last evaluated: 2023-09-18. Review status: criteria provided, single submitter. Criteria: Invitae Variant Classification Sherloc (09022015). Collection method: clinical testing. Allele origin: germline.

NM_001204.7(BMPR2):c.1716G>A (p.Met572Ile)

Gene: BMPR2 (bone morphogenetic protein receptor type 2; plus strand). Cytogenetic location: 2q33.2.
Variant type: single nucleotide variant.
Coding change: c.1716G>A on transcript NM_001204.7 (MANE Select); coding-DNA position 1716, G replaced by A.
Protein change: p.Met572Ile; replaces methionine 572 with isoleucine.
Molecular consequence: missense variant.
Genome position (GRCh38, 1-based): chr2:202,555,381, G>A. VCF-style: chr2-202555381-G-A. GRCh37 (hg19) VCF-style: chr2-203420104-G-A.
Other names: c.1716G>A (NM_001204.6); short protein forms M572I.
Identifiers: ClinVar variation 1600858 (VCV001600858.9), dbSNP rs771002296, ClinGen allele CA2061433.